The following is an entry in ClinVar:

ClinVar aggregate classification (germline): Uncertain significance (1 of 4 stars; one submission).

Conditions:
Myopathy, proximal, and ophthalmoplegia (CMYO6). Also called: INCLUSION BODY MYOPATHY 3, AUTOSOMAL DOMINANT; CONGENITAL MYOPATHY 6 WITH OPHTHALMOPLEGIA; MYOPATHY WITH CONGENITAL JOINT CONTRACTURES, OPHTHALMOPLEGIA, AND RIMMED VACUOLES. Identifiers: Orphanet 363677, Orphanet 79091, MedGen C1854106, MONDO:0011577, OMIM 605637.

Allele frequency attached by ClinVar (database versions not stated): gnomAD exomes below 0.00001; ExAC 0.00001; gnomAD 0.00001; TOPMed 0.00001.
gnomAD v4.1: 3 of 1,614,118 alleles (0.00019%); highest among the groups gnomAD compares: African/African-American, 0.0013%; no homozygotes.

Submission:

Labcorp Genetics (formerly Invitae), Labcorp
Classification: Uncertain significance for Myopathy, proximal, and ophthalmoplegia. Last evaluated: 2022-06-24. Review status: criteria provided, single submitter. Criteria: Invitae Variant Classification Sherloc (09022015). Collection method: clinical testing. Allele origin: germline.
Comment: In summary, the available evidence is currently insufficient to determine the role of this variant in disease. Therefore, it has been classified as a Variant of Uncertain Significance. Algorithms developed to predict the effect of missense changes on protein structure and function are either unavailable or do not agree on the potential impact of this missense change (SIFT: "Deleterious"; PolyPhen-2: "Benign"; Align-GVGD: "Class C15"). This variant has not been reported in the literature in individuals affected with MYH2-related conditions. This variant is present in population databases (rs772543096, gnomAD 0.007%). This sequence change replaces glutamic acid, which is acidic and polar, with glycine, which is neutral and non-polar, at codon 1090 of the MYH2 protein (p.Glu1090Gly).

NM_017534.6(MYH2):c.3269A>G (p.Glu1090Gly)

Genes: MYH2 (myosin heavy chain 2; minus strand), MYHAS (myosin heavy chain gene cluster antisense RNA; plus strand). Cytogenetic location: 17p13.1.
Variant type: single nucleotide variant.
Coding change: c.3269A>G on transcript NM_017534.6 (MANE Select); coding-DNA position 3269, A replaced by G.
Protein change: p.Glu1090Gly; replaces glutamic acid 1090 with glycine.
Molecular consequence: missense variant.
Genome position (GRCh38, 1-based): chr17:10,529,247, T>C on the plus strand (A>G on the coding strand, the complement: MYH2 is on the minus strand). VCF-style: chr17-10529247-T-C. GRCh37 (hg19) VCF-style: chr17-10432564-T-C.
Other names: c.3269A>G, p.Glu1090Gly (NM_001100112.2); short protein forms E1090G.
Identifiers: ClinVar variation 1902789 (VCV001902789.5), dbSNP rs772543096, ClinGen allele CA8390949.